The following is an entry in ClinVar:

ClinVar aggregate classification (germline): Uncertain significance. Review status: criteria provided, multiple submitters, no conflicts (2 of 4 stars). 2 submissions from 2 submitters: Uncertain significance (2). Last evaluated 2026-01-06.

Conditions:
Neuroblastoma, susceptibility to, 3. Also called: ALK-Related Neuroblastic Tumor Susceptibility. Identifiers: Orphanet 635, MedGen C2751681, MONDO:0013083, OMIM 613014.
Hereditary cancer-predisposing syndrome. Also called: Hereditary Cancer Syndrome; Tumor predisposition; Neoplastic Syndromes, Hereditary; Hereditary neoplastic syndrome. Identifiers: Orphanet 140162, MedGen C0027672, MeSH D009386, MONDO:0015356.

Submissions (2):

Ambry Genetics
Classification: Uncertain significance for Hereditary cancer-predisposing syndrome. Last evaluated: 2026-01-06. Review status: criteria provided, single submitter. Criteria: Ambry Variant Classification Scheme 2023. Collection method: clinical testing. Allele origin: germline.
Comment: The p.Q908H variant (also known as c.2724G>C), located in coding exon 16 of the ALK gene, results from a G to C substitution at nucleotide position 2724. The glutamine at codon 908 is replaced by histidine, an amino acid with highly similar properties. This amino acid position is conserved. In addition, the in silico prediction for this alteration is inconclusive. Based on the available evidence, the clinical significance of this variant remains unclear.

Labcorp Genetics (formerly Invitae), Labcorp
Classification: Uncertain significance for Neuroblastoma, susceptibility to, 3. Last evaluated: 2019-04-05. Review status: criteria provided, single submitter. Criteria: Invitae Variant Classification Sherloc (09022015). Collection method: clinical testing. Allele origin: germline.
Comment: This sequence change replaces glutamine with histidine at codon 908 of the ALK protein (p.Gln908His). The glutamine residue is highly conserved and there is a small physicochemical difference between glutamine and histidine. This variant is not present in population databases (ExAC no frequency). This variant has not been reported in the literature in individuals with ALK-related conditions. Algorithms developed to predict the effect of missense changes on protein structure and function are either unavailable or do not agree on the potential impact of this missense change (SIFT: "Deleterious"; PolyPhen-2: "Probably Damaging"; Align-GVGD: "Class C15"). In summary, the available evidence is currently insufficient to determine the role of this variant in disease. Therefore, it has been classified as a Variant of Uncertain Significance.

NM_004304.5(ALK):c.2724G>C (p.Gln908His)

Gene: ALK (ALK receptor tyrosine kinase; minus strand). Cytogenetic location: 2p23.2.
Variant type: single nucleotide variant.
Coding change: c.2724G>C on transcript NM_004304.5 (MANE Select); coding-DNA position 2724, G replaced by C.
Protein change: p.Gln908His; replaces glutamine 908 with histidine.
Molecular consequence: missense variant.
Genome position (GRCh38, 1-based): chr2:29,228,975, C>G on the plus strand (G>C on the coding strand, the complement: ALK is on the minus strand). VCF-style: chr2-29228975-C-G. GRCh37 (hg19) VCF-style: chr2-29451841-C-G.
Other names: short protein forms Q908H.
Identifiers: ClinVar variation 863032 (VCV000863032.10), dbSNP rs1441852921, ClinGen allele CA346469824.